The following is an entry in ClinVar:

ClinVar aggregate classification (germline): Conflicting classifications of pathogenicity. Review status: criteria provided, conflicting classifications (1 of 4 stars). 6 submissions from 6 submitters: Uncertain significance (1); Likely benign (3). 2 of the submissions do not count toward it. Last evaluated 2026-07-01.

Conditions:
T-B+ severe combined immunodeficiency due to JAK3 deficiency. Also called: SCID, autosomal recessive, T-negative/B-positive type; SCID, T CELL-NEGATIVE, B CELL-POSITIVE, NK CELL-NEGATIVE. Identifiers: Orphanet 35078, MedGen C1833275, MONDO:0010938, OMIM 600802.

Allele frequency attached by ClinVar (database versions not stated): 1000 Genomes Project 0.00060; 1000 Genomes Project 30x 0.00094; TOPMed 0.00116; gnomAD 0.00121 and 0.00122; gnomAD exomes 0.00123 and 0.00213; ExAC 0.00144; ESP Exome Variant Server 0.00161.
gnomAD v4.1: 3,235 of 1,614,114 alleles (0.2%); highest among the groups gnomAD compares: Non-Finnish European, 0.26%; 6 homozygotes.

Submissions (6):

CeGaT Center for Human Genetics Tuebingen
Classification: Likely benign. Last evaluated: 2026-07-01. Review status: criteria provided, single submitter. Criteria: CeGaT Center For Human Genetics Tuebingen Variant Classification Criteria Version 2. Collection method: clinical testing. Allele origin: germline. Affected: yes. Observed: 2 variant alleles.
Comment: JAK3: BP4, BP7

Labcorp Genetics (formerly Invitae), Labcorp
Classification: Likely benign for T-B+ severe combined immunodeficiency due to JAK3 deficiency. Last evaluated: 2026-01-31. Review status: criteria provided, single submitter. Criteria: Invitae Variant Classification Sherloc (09022015). Collection method: clinical testing. Allele origin: germline.

Blueprint Genetics
Classification: Likely benign. Last evaluated: 2024-11-21. Review status: criteria provided, single submitter. Criteria: ACMG Guidelines, 2015. Collection method: clinical testing. Allele origin: germline.

Illumina Laboratory Services, Illumina
Classification: Uncertain significance for T-B+ severe combined immunodeficiency due to JAK3 deficiency. Last evaluated: 2017-04-27. Review status: criteria provided, single submitter. Criteria: ICSL Variant Classification Criteria 13 December 2019. Collection method: clinical testing. Allele origin: germline.

Clinical Genetics DNA and cytogenetics Diagnostics Lab, Erasmus MC, Erasmus Medical Center
Classification: Likely benign. Review status: no assertion criteria provided. Collection method: clinical testing. Allele origin: germline. Affected: yes. Study: VKGL Data-share Consensus. Not counted in ClinVar's aggregate classification.

Genome Diagnostics Laboratory, University Medical Center Utrecht
Classification: Likely benign. Review status: no assertion criteria provided. Collection method: clinical testing. Allele origin: germline. Affected: yes. Study: VKGL Data-share Consensus. Not counted in ClinVar's aggregate classification.

NM_000215.4(JAK3):c.1581G>A (p.Leu527=)

Gene: JAK3 (Janus kinase 3; minus strand). Cytogenetic location: 19p13.11.
Variant type: single nucleotide variant.
Coding change: c.1581G>A on transcript NM_000215.4 (MANE Select); coding-DNA position 1581, G replaced by A.
Protein change: p.Leu527=; no amino-acid change (leucine 527 retained).
Molecular consequence: synonymous variant.
Genome position (GRCh38, 1-based): chr19:17,838,052, C>T on the plus strand (G>A on the coding strand, the complement: JAK3 is on the minus strand). VCF-style: chr19-17838052-C-T. GRCh37 (hg19) VCF-style: chr19-17948861-C-T.
Identifiers: ClinVar variation 464097 (VCV000464097.43), dbSNP rs3213408, ClinGen allele CA9301841.